The following is an entry in ClinVar:

NM_000361.3(THBD):c.1382C>A (p.Thr461Asn)

Gene: THBD (thrombomodulin; minus strand). Cytogenetic location: 20p11.21.
Variant type: single nucleotide variant.
Coding change: c.1382C>A on transcript NM_000361.3 (MANE Select); coding-DNA position 1382, C replaced by A.
Protein change: p.Thr461Asn; replaces threonine 461 with asparagine.
Molecular consequence: missense variant.
Genome position (GRCh38, 1-based): chr20:23,048,123, G>T on the plus strand (C>A on the coding strand, the complement: THBD is on the minus strand). VCF-style: chr20-23048123-G-T. GRCh37 (hg19) VCF-style: chr20-23028760-G-T.
Other names: short protein forms T461N.
Identifiers: ClinVar variation 2988184 (VCV002988184.3), dbSNP rs755524664, ClinGen allele CA9787572.

ClinVar aggregate classification (germline): Uncertain significance (1 of 4 stars; one submission).

Allele frequency attached by ClinVar (database versions not stated): gnomAD 0.00001.

Submission:

Labcorp Genetics (formerly Invitae), Labcorp
Classification: Uncertain significance. Last evaluated: 2023-06-03. Review status: criteria provided, single submitter. Criteria: Invitae Variant Classification Sherloc (09022015). Collection method: clinical testing. Allele origin: germline.
Comment: Advanced modeling of protein sequence and biophysical properties (such as structural, functional, and spatial information, amino acid conservation, physicochemical variation, residue mobility, and thermodynamic stability) performed at Invitae indicates that this missense variant is not expected to disrupt THBD protein function. In summary, the available evidence is currently insufficient to determine the role of this variant in disease. Therefore, it has been classified as a Variant of Uncertain Significance. This variant has not been reported in the literature in individuals affected with THBD-related conditions. This sequence change replaces threonine, which is neutral and polar, with asparagine, which is neutral and polar, at codon 461 of the THBD protein (p.Thr461Asn). This variant is present in population databases (rs755524664, gnomAD 0.007%).